The following is an entry in ClinVar:

NM_016360.4(TACO1):c.885C>T (p.Asn295=)

Gene: TACO1 (translational activator of cytochrome c oxidase I; plus strand). Cytogenetic location: 17q23.3.
Variant type: single nucleotide variant.
Coding change: c.885C>T on transcript NM_016360.4 (MANE Select); coding-DNA position 885, C replaced by T.
Protein change: p.Asn295=; no amino-acid change (asparagine 295 retained).
Molecular consequence: synonymous variant.
Genome position (GRCh38, 1-based): chr17:63,607,993, C>T. VCF-style: chr17-63607993-C-T. GRCh37 (hg19) VCF-style: chr17-61685353-C-T.
Identifiers: ClinVar variation 385424 (VCV000385424.10), dbSNP rs965033338, ClinGen allele CA16607814.

ClinVar aggregate classification (germline): Likely benign. Review status: criteria provided, multiple submitters, no conflicts (2 of 4 stars). 2 submissions from 2 submitters: Likely benign (2). Last evaluated 2024-10-24.

Allele frequency attached by ClinVar (database versions not stated): gnomAD 0.00001; gnomAD exomes 0.00001; TOPMed 0.00002.

Submissions (2):

Labcorp Genetics (formerly Invitae), Labcorp
Classification: Likely benign. Last evaluated: 2024-10-24. Review status: criteria provided, single submitter. Criteria: Invitae Variant Classification Sherloc (09022015). Collection method: clinical testing. Allele origin: germline.

GeneDx
Classification: Likely benign. Last evaluated: 2016-04-25. Review status: criteria provided, single submitter. Criteria: GeneDx Variant Classification (06012015). Collection method: clinical testing. Allele origin: germline. Affected: yes.
Comment: This variant is considered likely benign or benign based on one or more of the following criteria: it is a conservative change, it occurs at a poorly conserved position in the protein, it is predicted to be benign by multiple in silico algorithms, and/or has population frequency not consistent with disease.